The following is an entry in ClinVar:

ClinVar aggregate classification (germline): Benign/Likely benign. Review status: criteria provided, multiple submitters, no conflicts (2 of 4 stars). 2 submissions from 2 submitters: Benign (1); Likely benign (1). Last evaluated 2024-09-04.

Conditions:
Fanconi anemia complementation group J. Also called: BRIP1-Related Fanconi Anemia. Identifiers: Orphanet 84, MedGen C1836860, MONDO:0012187, OMIM 609054.
Familial cancer of breast. Also called: BREAST CANCER, FAMILIAL; hereditary breast carcinoma; Hereditary breast cancer. Identifiers: Orphanet 227535, MedGen C0346153, MONDO:0016419, OMIM 114480. Disease mechanism: loss of function.

Allele frequency attached by ClinVar (database versions not stated): gnomAD exomes below 0.00001.
gnomAD v4.1: 1 of 1,606,814 alleles (0.000062%); highest among the groups gnomAD compares: Non-Finnish European, 0.000085%; no homozygotes.

Submissions (2):

Myriad Genetics, Inc.
Classification: Benign for Familial cancer of breast. Last evaluated: 2024-09-04. Review status: criteria provided, single submitter. Criteria: Myriad Autosomal Dominant, Autosomal Recessive and X-Linked Classification Criteria (2023). Collection method: clinical testing. Allele origin: unknown.
Comment: This variant is considered benign. This variant is a silent/synonymous amino acid change and it is not expected to impact splicing.

Labcorp Genetics (formerly Invitae), Labcorp
Classification: Likely benign for Familial cancer of breast; Fanconi anemia complementation group J. Last evaluated: 2017-10-10. Review status: criteria provided, single submitter. Criteria: Invitae Variant Classification Sherloc (09022015). Collection method: clinical testing. Allele origin: germline.

NM_032043.3(BRIP1):c.2412T>C (p.His804=)

Gene: BRIP1 (BRCA1 interacting DNA helicase 1; minus strand). Cytogenetic location: 17q23.2.
Variant type: single nucleotide variant.
Coding change: c.2412T>C on transcript NM_032043.3 (MANE Select); coding-DNA position 2412, T replaced by C.
Protein change: p.His804=; no amino-acid change (histidine 804 retained).
Molecular consequence: synonymous variant.
Genome position (GRCh38, 1-based): chr17:61,716,031, A>G on the plus strand (T>C on the coding strand, the complement: BRIP1 is on the minus strand). VCF-style: chr17-61716031-A-G. GRCh37 (hg19) VCF-style: chr17-59793392-A-G.
Identifiers: ClinVar variation 530364 (VCV000530364.10), dbSNP rs1555580913, ClinGen allele CA501150544.